The following is an entry in ClinVar:

ClinVar aggregate classification (germline): Uncertain significance (1 of 4 stars; one submission).

Conditions:
Cardiomyopathy (CMYO). Also called: Cardiomyopathies. Identifiers: Orphanet 167848, MedGen C0878544, MONDO:0004994, HP:0001638. Inheritance: Various modes of inheritance.

Submission:

Color Diagnostics, LLC DBA Color Health
Classification: Uncertain significance for Cardiomyopathy. Last evaluated: 2024-03-07. Review status: criteria provided, single submitter. Criteria: ACMG Guidelines, 2015. Collection method: clinical testing. Allele origin: germline.
Comment: This missense variant replaces lysine with glutamic acid at codon 2435 of the DSP protein. Computational prediction suggests that this variant may not impact protein structure and function (internally defined REVEL score threshold <= 0.5, PMID: 27666373). To our knowledge, functional studies have not been reported for this variant. This variant has not been reported in individuals affected with cardiovascular disorders in the literature. This variant has not been identified in the general population by the Genome Aggregation Database (gnomAD). The available evidence is insufficient to determine the role of this variant in disease conclusively. Therefore, this variant is classified as a Variant of Uncertain Significance.

NM_004415.4(DSP):c.7303A>G (p.Lys2435Glu)

Gene: DSP (desmoplakin; plus strand). Cytogenetic location: 6p24.3.
Variant type: single nucleotide variant.
Coding change: c.7303A>G on transcript NM_004415.4 (MANE Select); coding-DNA position 7303, A replaced by G.
Protein change: p.Lys2435Glu; replaces lysine 2435 with glutamic acid.
Molecular consequence: missense variant.
Genome position (GRCh38, 1-based): chr6:7,584,565, A>G. VCF-style: chr6-7584565-A-G. GRCh37 (hg19) VCF-style: chr6-7584798-A-G.
Other names: c.5506A>G, p.Lys1836Glu (NM_001008844.3); c.5974A>G, p.Lys1992Glu (NM_001319034.2); short protein forms K1992E, K1836E, K2435E.
Identifiers: ClinVar variation 2775360 (VCV002775360.2), dbSNP rs2533945021, ClinGen allele CA362692702.